The following is an entry in ClinVar:

NM_198437.3(AURKA):c.-5-7T>G

Gene: AURKA (aurora kinase A; minus strand). Cytogenetic location: 20q13.2.
Variant type: single nucleotide variant.
Coding change: c.-5-7T>G on transcript NM_198437.3 (MANE Select); 7 bases into the intron before 5 bases upstream of the start codon, T replaced by G.
Molecular consequence: intron variant.
Genome position (GRCh38, 1-based): chr20:56,388,209, A>C on the plus strand (T>G on the coding strand, the complement: AURKA is on the minus strand). VCF-style: chr20-56388209-A-C. GRCh37 (hg19) VCF-style: chr20-54963265-A-C.
Other names: c.-5-7T>G (NM_001323304.2, NM_198436.3, NM_001323305.2 and 6 more transcripts); c.98-7T>G (NM_001424418.1, NM_001424419.1, NM_001424420.1).
Identifiers: ClinVar variation 3901011 (VCV003901011.1).

ClinVar aggregate classification (germline): Uncertain significance (1 of 4 stars; one submission).

Conditions:
Colorectal cancer. Also called: Malignant Colorectal Neoplasm; Colorectal cancer, somatic. Identifiers: MedGen C0346629, MONDO:0005575, OMIM 114500.

Submission:

Laboratorio de Genetica e Diagnostico Molecular, Hospital Israelita Albert Einstein
Classification: Uncertain significance for Colorectal cancer. Last evaluated: 2024-12-13. Review status: criteria provided, single submitter. Criteria: ACMG Guidelines, 2015. Collection method: clinical testing. Allele origin: germline. Affected: yes.
Comment: ACMG classification criteria: PM2 supporting, BP4 supporting